The following is an entry in ClinVar:

NM_015072.5(TTLL5):c.1666C>T (p.Arg556Ter)

Gene: TTLL5 (tubulin tyrosine ligase like 5; plus strand). Cytogenetic location: 14q24.3.
Variant type: single nucleotide variant.
Coding change: c.1666C>T on transcript NM_015072.5 (MANE Select); coding-DNA position 1666, C replaced by T.
Protein change: p.Arg556Ter; replaces arginine 556 with a stop codon.
Molecular consequence: nonsense.
Genome position (GRCh38, 1-based): chr14:75,764,730, C>T. VCF-style: chr14-75764730-C-T. GRCh37 (hg19) VCF-style: chr14-76231073-C-T.
Other names: short protein forms R556*.
Identifiers: ClinVar variation 1396629 (VCV001396629.7), dbSNP rs770811029, ClinGen allele CA263694097.

ClinVar aggregate classification (germline): Pathogenic/Likely pathogenic. Review status: criteria provided, multiple submitters, no conflicts (2 of 4 stars). 2 submissions from 2 submitters: Pathogenic (1); Likely pathogenic (1). Last evaluated 2024-09-19.

Conditions:
TTLL5-related disorder. Also called: TTLL5-related condition.

gnomAD v4.1: 2 of 1,613,868 alleles (0.00012%); highest among the groups gnomAD compares: African/African-American, 0.0013%; no homozygotes.

Submissions (2):

Labcorp Genetics (formerly Invitae), Labcorp
Classification: Pathogenic. Last evaluated: 2024-09-19. Review status: criteria provided, single submitter. Criteria: Invitae Variant Classification Sherloc (09022015). Collection method: clinical testing. Allele origin: germline.
Comment: This sequence change creates a premature translational stop signal (p.Arg556*) in the TTLL5 gene. It is expected to result in an absent or disrupted protein product. Loss-of-function variants in TTLL5 are known to be pathogenic (PMID: 24791901, 27162334). This variant is not present in population databases (gnomAD no frequency). This variant has not been reported in the literature in individuals affected with TTLL5-related conditions. ClinVar contains an entry for this variant (Variation ID: 1396629). Algorithms developed to predict the effect of sequence changes on RNA splicing suggest that this variant may disrupt the consensus splice site. For these reasons, this variant has been classified as Pathogenic.

Blueprint Genetics
Classification: Likely pathogenic for TTLL5-related disorders. Last evaluated: 2024-03-11. Review status: criteria provided, single submitter. Criteria: ACMG Guidelines, 2015. Collection method: clinical testing. Allele origin: germline. Affected: yes. Observed: 1 variant allele.

Literature cited by the submitters: PubMed 24791901 (cited by Labcorp Genetics (formerly Invitae), Labcorp); PubMed 27162334 (cited by Labcorp Genetics (formerly Invitae), Labcorp).